The following is an entry in ClinVar:

ClinVar aggregate classification (germline): Benign/Likely benign. Review status: criteria provided, multiple submitters, no conflicts (2 of 4 stars). 5 submissions from 5 submitters: Benign (1); Likely benign (4). Last evaluated 2025-10-13.

Conditions:
Hereditary cancer-predisposing syndrome. Also called: Hereditary Cancer Syndrome; Tumor predisposition; Hereditary neoplastic syndrome; Neoplastic Syndromes, Hereditary. Identifiers: Orphanet 140162, MedGen C0027672, MeSH D009386, MONDO:0015356.
Tuberous sclerosis 2 (TSC2). Identifiers: Orphanet 805, MedGen C1860707, MONDO:0013199, OMIM 613254.
Tuberous sclerosis syndrome (TSC). Also called: Tuberous Sclerosis Complex; Tuberous sclerosis. Identifiers: Orphanet 805, MedGen C0041341, MONDO:0001734.

Submissions (5):

Labcorp Genetics (formerly Invitae), Labcorp
Classification: Benign for Tuberous sclerosis 2. Last evaluated: 2025-10-13. Review status: criteria provided, single submitter. Criteria: Invitae Variant Classification Sherloc (09022015). Collection method: clinical testing. Allele origin: germline.

Blueprint Genetics
Classification: Likely benign. Last evaluated: 2024-09-17. Review status: criteria provided, single submitter. Criteria: ACMG Guidelines, 2015. Collection method: clinical testing. Allele origin: germline.

GeneDx
Classification: Likely benign. Last evaluated: 2022-12-07. Review status: criteria provided, single submitter. Criteria: GeneDx Variant Classification Process June 2021. Collection method: clinical testing. Allele origin: germline. Affected: yes.
Comment: See Variant Classification Assertion Criteria.

Color Diagnostics, LLC DBA Color Health
Classification: Likely benign for Tuberous sclerosis syndrome. Last evaluated: 2022-11-18. Review status: criteria provided, single submitter. Criteria: ACMG Guidelines, 2015. Collection method: clinical testing. Allele origin: germline.

Sema4
Classification: Likely benign for Hereditary cancer-predisposing syndrome. Last evaluated: 2020-11-24. Review status: criteria provided, single submitter. Criteria: Sema4 Curation Guidelines. Collection method: curation. Allele origin: germline.

NM_000548.5(TSC2):c.1717-12CT[3]

Gene: TSC2 (TSC complex subunit 2; plus strand). Cytogenetic location: 16p13.3.
Variant type: Microsatellite.
Coding change: c.1717-12CT[3] on transcript NM_000548.5 (MANE Select); three copies in a row of the 2-base unit CT starting at c.1717-12; the reference has four copies in a row; one copy, 2 bases deleted.
Molecular consequence: intron variant.
Genome position (GRCh38, 1-based): chr16:2,070,450-2,070,451, CT deleted; deleting any 2 consecutive bases within chr16:2,070,444-2,070,451 gives the same sequence; the position shown is the placement nearest the transcript's 3' end. VCF-style (leftmost placement, unchanged base first): chr16-2070443-CCT-C. GRCh37 (hg19) VCF-style: chr16-2120444-CCT-C.
Other names: c.1717-6_1717-5del (NM_000548.5); c.1717-12CT[3] (NM_001114382.3, NM_021055.3, NM_001370405.1 and 3 more transcripts); c.1606-12CT[3] (NM_001318827.2); c.1117-12CT[3] (NM_001318831.2); c.1570-12CT[3] (NM_001318829.2); c.1750-12CT[3] (NM_001318832.2).
Identifiers: ClinVar variation 511120 (VCV000511120.14), dbSNP rs769094940, ClinGen allele CA032755.